The following is an entry in ClinVar:

NM_001394372.1(BICRA):c.3404A>G (p.Glu1135Gly)

Gene: BICRA (BRD4 interacting chromatin remodeling complex associated protein; plus strand). Cytogenetic location: 19q13.33.
Variant type: single nucleotide variant.
Coding change: c.3404A>G on transcript NM_001394372.1 (MANE Select); coding-DNA position 3404, A replaced by G.
Protein change: p.Glu1135Gly; replaces glutamic acid 1135 with glycine.
Molecular consequence: missense variant.
Genome position (GRCh38, 1-based): chr19:47,698,971, A>G. VCF-style: chr19-47698971-A-G. GRCh37 (hg19) VCF-style: chr19-48202228-A-G.
Other names: c.3404A>G, p.Glu1135Gly (NM_015711.3); short protein forms E1135G.
Identifiers: ClinVar variation 4852302 (VCV004852302.1).

ClinVar aggregate classification (germline): Likely benign (1 of 4 stars; one submission).

Conditions:
Coffin-Siris syndrome 12. Identifiers: MedGen C5444111, MONDO:0025699, OMIM 619325.

Submission:

Centre for Medical Genetics,  Mumbai
Classification: Likely benign for Coffin-Siris syndrome 12. Last evaluated: 2026-05-08. Review status: criteria provided, single submitter. Criteria: ACMG Guidelines, 2015. Collection method: provider interpretation. Allele origin: germline. Inheritance: Autosomal dominant inheritance. Affected: no. Observed: 1 variant allele, 1 heterozygote.
Comment: The variant satisfies PM2 criteria - extremely low frequency in gnomAD population databases. However, the variant satisfies BS2 criteria - present in heterozygous state in an individual that clinically does not have Coffin-Siris syndrome.

Literature cited by the submitters: PubMed 33232675.